The following is an entry in ClinVar:

NM_177438.3(DICER1):c.455_458dup (p.Tyr153Ter)

Gene: DICER1 (dicer 1, ribonuclease III; minus strand). Cytogenetic location: 14q32.13.
Variant type: Duplication.
Coding change: c.455_458dup on transcript NM_177438.3 (MANE Select); coding-DNA positions 455 to 458, 4 bases duplicated (GCTA; older notation c.455_458dupGCTA).
Protein change: p.Tyr153Ter; replaces tyrosine 153 with a stop codon.
Molecular consequence: nonsense.
Genome position (GRCh38, 1-based): chr14:95,130,173-95,130,176, TAGC duplicated on the plus strand (GCTA on the coding strand, the reverse complement: DICER1 is on the minus strand). VCF-style (leftmost placement, unchanged base first): chr14-95130172-A-ATAGC. GRCh37 (hg19) VCF-style: chr14-95596509-A-ATAGC.
Other names: c.455_458dup, p.Tyr153Ter (NM_001291628.2, NM_030621.4, NM_001195573.1 and 1 more transcripts); short protein forms Y153*.
Identifiers: ClinVar variation 940361 (VCV000940361.9), dbSNP rs1893835509, ClinGen allele CA1139663735.

ClinVar aggregate classification (germline): Pathogenic (1 of 4 stars; one submission).

Conditions:
DICER1-related tumor predisposition. Also called: DICER1 syndrome; DICER1-related pleuropulmonary blastoma cancer predisposition syndrome. Identifiers: Orphanet 284343, MedGen C3839822, MONDO:0100216.

Submission:

Labcorp Genetics (formerly Invitae), Labcorp
Classification: Pathogenic for DICER1-related tumor predisposition. Last evaluated: 2023-11-17. Review status: criteria provided, single submitter. Criteria: Invitae Variant Classification Sherloc (09022015). Collection method: clinical testing. Allele origin: germline.
Comment: This sequence change creates a premature translational stop signal (p.Tyr153*) in the DICER1 gene. It is expected to result in an absent or disrupted protein product. Loss-of-function variants in DICER1 are known to be pathogenic (PMID: 19556464, 21266384). This variant is not present in population databases (gnomAD no frequency). This variant has not been reported in the literature in individuals affected with DICER1-related conditions. ClinVar contains an entry for this variant (Variation ID: 940361). For these reasons, this variant has been classified as Pathogenic.

Literature cited by the submitters: PubMed 19556464; PubMed 21266384.